The following is an entry in ClinVar:

NM_182943.3(PLOD2):c.1280A>G (p.Asn427Ser)

Gene: PLOD2 (procollagen-lysine,2-oxoglutarate 5-dioxygenase 2; minus strand). Cytogenetic location: 3q24.
Variant type: single nucleotide variant.
Coding change: c.1280A>G on transcript NM_182943.3 (MANE Select); coding-DNA position 1280, A replaced by G.
Protein change: p.Asn427Ser; replaces asparagine 427 with serine.
Molecular consequence: missense variant.
Genome position (GRCh38, 1-based): chr3:146,081,816, T>C on the plus strand (A>G on the coding strand, the complement: PLOD2 is on the minus strand). VCF-style: chr3-146081816-T-C. GRCh37 (hg19) VCF-style: chr3-145799603-T-C.
Other names: c.1280A>G (NM_182943.2); c.1280A>G, p.Asn427Ser (NM_000935.3); short protein forms N427S.
Identifiers: ClinVar variation 807467 (VCV000807467.14), dbSNP rs893004444, ClinGen allele CA84513472.
Genomic context (GRCh38, chr3:146,081,816, plus strand): 5'-ATATCCACATAATCTTCAGATCGTGCATAGTATCCATCAGGACTCAATGCTCCCCAGAAA[T>C]TGGACCACAGCTTTCCATGACGAGTTACAAGAGGAGCAATGATCTTTCTAAAGACAGAGA-3'
Protein context (NP_891988.1, residues 417-437): LVTRHGKLWS[Asn427Ser]FWGALSPDGY

ClinVar aggregate classification (germline): Conflicting classifications of pathogenicity. Review status: criteria provided, conflicting classifications (1 of 4 stars). 4 submissions from 4 submitters: Pathogenic (1); Likely pathogenic (2); Uncertain significance (1). Last evaluated 2025-08-14.

Conditions:
Osteogenesis imperfecta (OI). Identifiers: Orphanet 666, MedGen C0029434, MeSH D010013, MONDO:0019019.
Bruck syndrome 2 (BRKS2). Also called: OSTEOGENESIS IMPERFECTA WITH CONGENITAL JOINT CONTRACTURES. Identifiers: Orphanet 2771, MedGen C1836602, MONDO:0012217, OMIM 609220.

Allele frequency attached by ClinVar (database versions not stated): gnomAD exomes 0.00001; TOPMed 0.00002; gnomAD 0.00003 and 0.00004.
gnomAD v4.1: 14 of 1,612,206 alleles (0.00087%); highest among the groups gnomAD compares: African/African-American, 0.0053%; no homozygotes.

Submissions (4):

Labcorp Genetics (formerly Invitae), Labcorp
Classification: Pathogenic. Last evaluated: 2025-08-14. Review status: criteria provided, single submitter. Criteria: Invitae Variant Classification Sherloc (09022015). Collection method: clinical testing. Allele origin: germline.
Comment: This sequence change replaces asparagine, which is neutral and polar, with serine, which is neutral and polar, at codon 427 of the PLOD2 protein (p.Asn427Ser). This variant is present in population databases (no rsID available, gnomAD 0.01%). This missense change has been observed in individual(s) with Bruck syndrome (PMID: 31472299, 35278031; internal data). In at least one individual the data is consistent with being in trans (on the opposite chromosome) from a pathogenic variant. ClinVar contains an entry for this variant (Variation ID: 807467). Invitae Evidence Modeling of protein sequence and biophysical properties (such as structural, functional, and spatial information, amino acid conservation, physicochemical variation, residue mobility, and thermodynamic stability) indicates that this missense variant is expected to disrupt PLOD2 protein function with a positive predictive value of 80%. For these reasons, this variant has been classified as Pathogenic.

Women's Health and Genetics/Laboratory Corporation of America, LabCorp
Classification: Likely pathogenic for Osteogenesis imperfecta. Last evaluated: 2025-07-01. Review status: criteria provided, single submitter. Criteria: LabCorp Variant Classification Summary - May 2015. Collection method: clinical testing. Allele origin: germline.
Comment: Variant summary: PLOD2 c.1280A>G (p.Asn427Ser) results in a conservative amino acid change in the encoded protein sequence. Algorithms developed to predict the effect of missense changes on protein structure and function are either unavailable or do not agree on the potential impact of this missense change. The variant was absent in 251060 control chromosomes. c.1280A>G has been observed in compound heterozygous individuals affected with Osteogenesis Imperfecta (e.g., Mumm_2019, Otaify_2022, Slocum_2024, internal data). These data indicate that the variant is likely to be associated with disease. To our knowledge, no experimental evidence demonstrating an impact on protein function has been reported. The following publications have been ascertained in the context of this evaluation (PMID: 31472299, 35278031, 33664768, 38050656). ClinVar contains an entry for this variant (Variation ID: 807467). Based on the evidence outlined above, the variant was classified as likely pathogenic.

GeneDx
Classification: Uncertain significance. Last evaluated: 2024-08-07. Review status: criteria provided, single submitter. Criteria: GeneDx Variant Classification Process June 2021. Collection method: clinical testing. Allele origin: germline. Affected: yes.
Comment: Identified with a second PLOD2 variant on the opposite allele (in trans) in a patient with features of osteogenesis imperfecta without congenital contractures in published literature (PMID: 31472299); In silico analysis supports that this missense variant has a deleterious effect on protein structure/function; Not observed at significant frequency in large population cohorts (gnomAD); This variant is associated with the following publications: (PMID: 31472299, 35278031)

Institute of Human Genetics Munich, TUM University Hospital
Classification: Likely pathogenic for Bruck syndrome 2. Last evaluated: 2020-01-16. Review status: criteria provided, single submitter. Criteria: Classification criteria August 2017. Collection method: clinical testing. Allele origin: inherited. Inheritance: Autosomal recessive inheritance. Affected: yes. Observed: 1 homozygote.

Literature cited by the submitters: PubMed 31472299 (cited by Labcorp Genetics (formerly Invitae), Labcorp and Women's Health and Genetics/Laboratory Corporation of America, LabCorp); PubMed 35278031 (cited by Labcorp Genetics (formerly Invitae), Labcorp and Women's Health and Genetics/Laboratory Corporation of America, LabCorp); PubMed 33664768 (cited by Women's Health and Genetics/Laboratory Corporation of America, LabCorp); PubMed 38050656 (cited by Women's Health and Genetics/Laboratory Corporation of America, LabCorp).